The following is an entry in ClinVar:

NM_000937.5(POLR2A):c.1932T>C (p.Ser644=)

Gene: POLR2A (RNA polymerase II subunit A; plus strand). Cytogenetic location: 17p13.1.
Variant type: single nucleotide variant.
Coding change: c.1932T>C on transcript NM_000937.5 (MANE Select); coding-DNA position 1932, T replaced by C.
Protein change: p.Ser644=; no amino-acid change (serine 644 retained).
Molecular consequence: synonymous variant.
Genome position (GRCh38, 1-based): chr17:7,500,990, T>C. VCF-style: chr17-7500990-T-C. GRCh37 (hg19) VCF-style: chr17-7404309-T-C.
Identifiers: ClinVar variation 1298690 (VCV001298690.35), dbSNP rs147933295, ClinGen allele CA8349585.

ClinVar aggregate classification (germline): Likely benign (1 of 4 stars; one submission).

Allele frequency attached by ClinVar (database versions not stated): gnomAD exomes 0.00018 and 0.00035; TOPMed 0.00020; ESP Exome Variant Server 0.00023; ExAC 0.00041; gnomAD 0.00041.

Submission:

CeGaT Center for Human Genetics Tuebingen
Classification: Likely benign. Last evaluated: 2025-09-01. Review status: criteria provided, single submitter. Criteria: CeGaT Center For Human Genetics Tuebingen Variant Classification Criteria Version 2. Collection method: clinical testing. Allele origin: germline. Affected: yes. Observed: 2 variant alleles.
Comment: POLR2A: BP4, BP7